The following is an entry in ClinVar:

ClinVar aggregate classification (germline): Likely pathogenic (1 of 4 stars; one submission).

Conditions:
DNA ligase IV deficiency. Identifiers: Orphanet 99812, MedGen C1847827, MONDO:0011686, OMIM 606593.

Allele frequency attached by ClinVar (database versions not stated): gnomAD exomes below 0.00001 and 0.00002; gnomAD 0.00001; TOPMed 0.00001; ExAC 0.00002; 1000 Genomes Project 0.00020; 1000 Genomes Project 30x 0.00031.
gnomAD v4.1: 8 of 1,613,296 alleles (0.0005%); highest among the groups gnomAD compares: Admixed American, 0.0067%; no homozygotes.

Submission:

Labcorp Genetics (formerly Invitae), Labcorp
Classification: Likely pathogenic for DNA ligase IV deficiency. Last evaluated: 2025-11-08. Review status: criteria provided, single submitter. Criteria: Invitae Variant Classification Sherloc (09022015). Collection method: clinical testing. Allele origin: germline.
Comment: This sequence change replaces arginine, which is basic and polar, with cysteine, which is neutral and slightly polar, at codon 278 of the LIG4 protein (p.Arg278Cys). This variant is present in population databases (rs574912936, gnomAD 0.009%). This missense change has been observed in individual(s) with severe combined immunodeficiency (PMID: 35482138). ClinVar contains an entry for this variant (Variation ID: 1001515). Invitae Evidence Modeling of protein sequence and biophysical properties (such as structural, functional, and spatial information, amino acid conservation, physicochemical variation, residue mobility, and thermodynamic stability) indicates that this missense variant is expected to disrupt LIG4 protein function with a positive predictive value of 95%. This variant disrupts the p.Arg278 amino acid residue in LIG4. Other variant(s) that disrupt this residue have been determined to be pathogenic (PMID: 11779494, 26608917, 26762768, 27893162, 30719430). This suggests that this residue is clinically significant, and that variants that disrupt this residue are likely to be disease-causing. In summary, the currently available evidence indicates that the variant is pathogenic, but additional data are needed to prove that conclusively. Therefore, this variant has been classified as Likely Pathogenic.

Literature cited by the submitters: PubMed 35482138; PubMed 11779494; PubMed 26608917; PubMed 26762768; PubMed 27893162; PubMed 30719430.

NM_206937.2(LIG4):c.832C>T (p.Arg278Cys)

Gene: LIG4 (DNA ligase 4; minus strand). Cytogenetic location: 13q33.3.
Variant type: single nucleotide variant.
Coding change: c.832C>T on transcript NM_206937.2 (MANE Select); coding-DNA position 832, C replaced by T.
Protein change: p.Arg278Cys; replaces arginine 278 with cysteine.
Molecular consequence: missense variant.
Genome position (GRCh38, 1-based): chr13:108,210,437, G>A on the plus strand (C>T on the coding strand, the complement: LIG4 is on the minus strand). VCF-style: chr13-108210437-G-A. GRCh37 (hg19) VCF-style: chr13-108862785-G-A.
Other names: c.832C>T, p.Arg278Cys (NM_001098268.2, NM_001352598.2, NM_001352599.2 and 6 more transcripts); c.631C>T, p.Arg211Cys (NM_001330595.2); c.868C>T, p.Arg290Cys (NM_001352604.2); short protein forms R211C, R278C, R290C.
Identifiers: ClinVar variation 1001515 (VCV001001515.9), dbSNP rs574912936, ClinGen allele CA7043793.